The following is an entry in ClinVar:

ClinVar aggregate classification (germline): Uncertain significance (1 of 4 stars; one submission).

Conditions:
Ataxia-telangiectasia syndrome (AT). Also called: Ataxia-telangiectasia, complementation group D; AT, COMPLEMENTATION GROUP C; ATAXIA-TELANGIECTASIA, COMPLEMENTATION GROUP A; ATAXIA-TELANGIECTASIA, FRESNO VARIANT; Ataxia-telangiectasia, complementation group E; LOUIS-BAR SYNDROME. Identifiers: Orphanet 100, MedGen C0004135, MONDO:0008840, OMIM 208900.

Submission:

Labcorp Genetics (formerly Invitae), Labcorp
Classification: Uncertain significance for Ataxia-telangiectasia syndrome. Last evaluated: 2023-09-21. Review status: criteria provided, single submitter. Criteria: Invitae Variant Classification Sherloc (09022015). Collection method: clinical testing. Allele origin: germline.
Comment: This variant has not been reported in the literature in individuals affected with ATM-related conditions. In summary, the available evidence is currently insufficient to determine the role of this variant in disease. Therefore, it has been classified as a Variant of Uncertain Significance. An algorithm developed to predict the effect of missense changes on protein structure and function (PolyPhen-2) suggests that this variant is likely to be tolerated. ClinVar contains an entry for this variant (Variation ID: 1938069). This variant is not present in population databases (gnomAD no frequency). This sequence change replaces valine, which is neutral and non-polar, with leucine, which is neutral and non-polar, at codon 2663 of the ATM protein (p.Val2663Leu).

NM_000051.4(ATM):c.7987G>C (p.Val2663Leu)

Genes: C11orf65 (chromosome 11 open reading frame 65; minus strand), ATM (ATM serine/threonine kinase; plus strand). Cytogenetic location: 11q22.3.
Variant type: single nucleotide variant.
Coding change: c.7987G>C on transcript NM_000051.4 (MANE Select); coding-DNA position 7987, G replaced by C.
Protein change: p.Val2663Leu; replaces valine 2663 with leucine.
Molecular consequence: missense variant. On other transcripts: intron variant (2).
Genome position (GRCh38, 1-based): chr11:108,333,945, G>C. VCF-style: chr11-108333945-G-C. GRCh37 (hg19) VCF-style: chr11-108204672-G-C.
Other names: c.7987G>C, p.Val2663Leu (NM_001351834.2); c.641-24874C>G (NM_001330368.2); c.*38+1275C>G (NM_001351110.2); short protein forms V2663L.
Identifiers: ClinVar variation 1938069 (VCV001938069.4), dbSNP rs773157963, ClinGen allele CA382561773.